The following is an entry in ClinVar:

NM_001184880.2(PCDH19):c.1281C>G (p.Asp427Glu)

Gene: PCDH19 (protocadherin 19; minus strand). Cytogenetic location: Xq22.1.
Variant type: single nucleotide variant.
Coding change: c.1281C>G on transcript NM_001184880.2 (MANE Select); coding-DNA position 1281, C replaced by G.
Protein change: p.Asp427Glu; replaces aspartic acid 427 with glutamic acid.
Molecular consequence: missense variant.
Genome position (GRCh38, 1-based): chrX:100,407,317, G>C on the plus strand (C>G on the coding strand, the complement: PCDH19 is on the minus strand). VCF-style: chrX-100407317-G-C. GRCh37 (hg19) VCF-style: chrX-99662315-G-C.
Other names: c.1281C>G, p.Asp427Glu (NM_001105243.2, NM_020766.3); short protein forms D427E.
Identifiers: ClinVar variation 533852 (VCV000533852.48), dbSNP rs1555985244, ClinGen allele CA414003264.

ClinVar aggregate classification (germline): Uncertain significance. Review status: criteria provided, multiple submitters, no conflicts (2 of 4 stars). 2 submissions from 2 submitters: Uncertain significance (2). Last evaluated 2019-10-01.

Conditions:
Developmental and epileptic encephalopathy, 9 (DEE9). Also called: Early infantile epileptic encephalopathy 9; JUBERG-HELLMAN SYNDROME; PCDH19-Related X-Linked Female-Limited Epilepsy with Mental Retardation; EPILEPSY, FEMALE-RESTRICTED, WITH MENTAL RETARDATION. Identifiers: Orphanet 101039, Orphanet 2076, MedGen C1848137, MONDO:0010246, OMIM 300088. Disease mechanism: loss of function.

Submissions (2):

CeGaT Center for Human Genetics Tuebingen
Classification: Uncertain significance. Last evaluated: 2019-10-01. Review status: criteria provided, single submitter. Criteria: CeGaT Center For Human Genetics Tuebingen Variant Classification Criteria Version 2. Collection method: clinical testing. Allele origin: germline. Affected: yes. Observed: 2 variant alleles.

Labcorp Genetics (formerly Invitae), Labcorp
Classification: Uncertain significance for Developmental and epileptic encephalopathy, 9. Last evaluated: 2017-11-05. Review status: criteria provided, single submitter. Criteria: Invitae Variant Classification Sherloc (09022015). Collection method: clinical testing. Allele origin: germline.
Comment: In summary, the available evidence is currently insufficient to determine the role of this variant in disease. Therefore, it has been classified as a Variant of Uncertain Significance. Algorithms developed to predict the effect of missense changes on protein structure and function (SIFT, PolyPhen-2, Align-GVGD) all suggest that this variant is likely to be disruptive, but these predictions have not been confirmed by published functional studies and their clinical significance is uncertain. This variant has not been reported in the literature in individuals with PCDH19-related disease. This variant is not present in population databases (ExAC no frequency). This sequence change replaces aspartic acid with glutamic acid at codon 427 of the PCDH19 protein (p.Asp427Glu). The aspartic acid residue is highly conserved and there is a small physicochemical difference between aspartic acid and glutamic acid.